The following is an entry in ClinVar:

NM_001243133.2(NLRP3):c.2101A>G (p.Met701Val)

Gene: NLRP3 (NLR family pyrin domain containing 3; plus strand). Cytogenetic location: 1q44.
Variant type: single nucleotide variant.
Coding change: c.2101A>G on transcript NM_001243133.2 (MANE Select); coding-DNA position 2101, A replaced by G.
Protein change: p.Met701Val; replaces methionine 701 with valine.
Molecular consequence: missense variant.
Genome position (GRCh38, 1-based): chr1:247,425,550, A>G. VCF-style: chr1-247425550-A-G. GRCh37 (hg19) VCF-style: chr1-247588852-A-G.
Other names: c.2101A>G, p.Met701Val (NM_001079821.3, NM_001127461.3, NM_001127462.3 and 1 more transcripts); c.2107A>G, p.Met703Val (NM_004895.5); short protein forms M703V, M701V.
Identifiers: ClinVar variation 2702274 (VCV002702274.3), dbSNP rs2527279282, ClinGen allele CA345558667.

ClinVar aggregate classification (germline): Uncertain significance (1 of 4 stars; one submission).

Conditions:
Cryopyrin associated periodic syndrome (CAPS). Identifiers: Orphanet 208650, MedGen C2316212, MONDO:0016168.

Submission:

Labcorp Genetics (formerly Invitae), Labcorp
Classification: Uncertain significance for Cryopyrin associated periodic syndrome. Last evaluated: 2023-12-11. Review status: criteria provided, single submitter. Criteria: Invitae Variant Classification Sherloc (09022015). Collection method: clinical testing. Allele origin: germline.
Comment: This sequence change replaces methionine, which is neutral and non-polar, with valine, which is neutral and non-polar, at codon 703 of the NLRP3 protein (p.Met703Val). This variant is not present in population databases (gnomAD no frequency). This variant has not been reported in the literature in individuals affected with NLRP3-related conditions. Advanced modeling of protein sequence and biophysical properties (such as structural, functional, and spatial information, amino acid conservation, physicochemical variation, residue mobility, and thermodynamic stability) performed at Invitae indicates that this missense variant is not expected to disrupt NLRP3 protein function with a negative predictive value of 95%. In summary, the available evidence is currently insufficient to determine the role of this variant in disease. Therefore, it has been classified as a Variant of Uncertain Significance.